The following is an entry in ClinVar:

ClinVar aggregate classification (germline): Uncertain significance (1 of 4 stars; one submission).

gnomAD v4.1: 2 of 1,613,762 alleles (0.00012%); highest among the groups gnomAD compares: Non-Finnish European, 0.00017%; no homozygotes.

Submission:

Labcorp Genetics (formerly Invitae), Labcorp
Classification: Uncertain significance. Last evaluated: 2023-12-14. Review status: criteria provided, single submitter. Criteria: Invitae Variant Classification Sherloc (09022015). Collection method: clinical testing. Allele origin: germline.
Comment: This sequence change falls in intron 30 of the FLNB gene. It does not directly change the encoded amino acid sequence of the FLNB protein. It affects a nucleotide within the consensus splice site. This variant is present in population databases (rs755886634, gnomAD 0.002%). This variant has not been reported in the literature in individuals affected with FLNB-related conditions. Variants that disrupt the consensus splice site are a relatively common cause of aberrant splicing (PMID: 17576681, 9536098). Algorithms developed to predict the effect of sequence changes on RNA splicing suggest that this variant is not likely to affect RNA splicing. In summary, the available evidence is currently insufficient to determine the role of this variant in disease. Therefore, it has been classified as a Variant of Uncertain Significance.

Literature cited by the submitters: PubMed 17576681; PubMed 9536098.

NM_001457.4(FLNB):c.5181+4C>G

Gene: FLNB (filamin B; plus strand). Cytogenetic location: 3p14.3.
Variant type: single nucleotide variant.
Coding change: c.5181+4C>G on transcript NM_001457.4 (MANE Select); 4 bases into the intron after coding-DNA position 5181, C replaced by G.
Molecular consequence: intron variant.
Genome position (GRCh38, 1-based): chr3:58,141,933, C>G. VCF-style: chr3-58141933-C-G. GRCh37 (hg19) VCF-style: chr3-58127660-C-G.
Other names: c.5274+4C>G (NM_001164317.2); c.5148+37C>G (NM_001164318.2); c.5110-717C>G (NM_001164319.2).
Identifiers: ClinVar variation 2873562 (VCV002873562.3), dbSNP rs755886634, ClinGen allele CA2468971.
Genomic context (GRCh38, chr3:58,141,933, plus strand): 5'-GTCACAGCCGTGGAGGAGGCACCGGTAAATGCATGTCCCCCTGGATTCAGGCCCTGGGTA[C>G]AATTTTGGTTTTTTCCTTTTTGTGTTTCTGTGTTTACTCAGCCTTCATTTCAGAAAATCT-3'